The following is an entry in ClinVar:

NM_013382.7(POMT2):c.773T>C (p.Ile258Thr)

Gene: POMT2 (protein O-mannosyltransferase 2; minus strand). Cytogenetic location: 14q24.3.
Variant type: single nucleotide variant.
Coding change: c.773T>C on transcript NM_013382.7 (MANE Select); coding-DNA position 773, T replaced by C.
Protein change: p.Ile258Thr; replaces isoleucine 258 with threonine.
Molecular consequence: missense variant.
Genome position (GRCh38, 1-based): chr14:77,301,133, A>G on the plus strand (T>C on the coding strand, the complement: POMT2 is on the minus strand). VCF-style: chr14-77301133-A-G. GRCh37 (hg19) VCF-style: chr14-77767476-A-G.
Other names: short protein forms I258T.
Identifiers: ClinVar variation 1913811 (VCV001913811.2), dbSNP rs2503276836, ClinGen allele CA390520167.

ClinVar aggregate classification (germline): Uncertain significance (1 of 4 stars; one submission).

Conditions:
Autosomal recessive limb-girdle muscular dystrophy type 2N. Also called: MUSCULAR DYSTROPHY-DYSTROGLYCANOPATHY, LIMB-GIRDLE, POMT2-RELATED; Muscular dystrophy-dystroglycanopathy (limb-girdle), type C, 2. Identifiers: Orphanet 206559, MedGen C3150418, MONDO:0013162, OMIM 613158.
Muscular dystrophy-dystroglycanopathy (congenital with brain and eye anomalies), type A2. Also called: MUSCULAR DYSTROPHY-DYSTROGLYCANOPATHY (CONGENITAL WITH BRAIN AND EYE ANOMALIES), TYPE A, 2; WALKER-WARBURG SYNDROME OR MUSCLE-EYE-BRAIN DISEASE, POMT2-RELATED. Identifiers: Orphanet 588, Orphanet 899, MedGen C3150411, MONDO:0013154, OMIM 613150.
Muscular dystrophy-dystroglycanopathy (congenital with impaired intellectual development), type B, 2. Also called: MUSCULAR DYSTROPHY, CONGENITAL, POMT2-RELATED; Muscular dystrophy-dystroglycanopathy (congenital with intellectual disability), type B2. Identifiers: MedGen C3150416, MONDO:0013160, OMIM 613156.

Allele frequency attached by ClinVar (database versions not stated): gnomAD exomes below 0.00001.

Submission:

Labcorp Genetics (formerly Invitae), Labcorp
Classification: Uncertain significance for Muscular dystrophy-dystroglycanopathy (congenital with impaired intellectual development), type B, 2; Muscular dystrophy-dystroglycanopathy (congenital with brain and eye anomalies), type A2; Autosomal recessive limb-girdle muscular dystrophy type 2N. Last evaluated: 2022-02-18. Review status: criteria provided, single submitter. Criteria: Invitae Variant Classification Sherloc (09022015). Collection method: clinical testing. Allele origin: germline.
Comment: This sequence change replaces isoleucine, which is neutral and non-polar, with threonine, which is neutral and polar, at codon 258 of the POMT2 protein (p.Ile258Thr). This variant is not present in population databases (gnomAD no frequency). This variant has not been reported in the literature in individuals affected with POMT2-related conditions. Algorithms developed to predict the effect of missense changes on protein structure and function (SIFT, PolyPhen-2, Align-GVGD) all suggest that this variant is likely to be tolerated. In summary, the available evidence is currently insufficient to determine the role of this variant in disease. Therefore, it has been classified as a Variant of Uncertain Significance.